The following is an entry in ClinVar:

NM_000557.5(GDF5):c.1128G>T (p.Gln376His)

Genes: GDF5 (growth differentiation factor 5; minus strand), GDF5-AS1 (GDF5 antisense RNA 1; plus strand). Cytogenetic location: 20q11.22.
Variant type: single nucleotide variant.
Coding change: c.1128G>T on transcript NM_000557.5 (MANE Select); coding-DNA position 1128, G replaced by T.
Protein change: p.Gln376His; replaces glutamine 376 with histidine.
Molecular consequence: missense variant. On other transcripts: non-coding transcript variant (1).
Genome position (GRCh38, 1-based): chr20:35,434,287, C>A on the plus strand (G>T on the coding strand, the complement: GDF5 is on the minus strand). VCF-style: chr20-35434287-C-A. GRCh37 (hg19) VCF-style: chr20-34022085-C-A.
Other names: c.1128G>T, p.Gln376His (NM_001319138.2); short protein forms Q376H.
Identifiers: ClinVar variation 338316 (VCV000338316.16), dbSNP rs138130158, ClinGen allele CA9832158.
Genomic context (GRCh38, chr20:35,434,287, plus strand): 5'-AAGGTTCTTGCTGGGTCGCTTGCCCTGGCGAGTGGCCAGTGGGGCCCGCCGTTTTCGCCG[C>A]TGGCTGAACAGGTACTCATACACGGTCTTATCGTCCTGGCCAGAGCGGGCCTTAATCTCA-3'
Protein context (NP_000548.2, residues 366-386): DKTVYEYLFS[Gln376His]RRKRRAPLAT

ClinVar aggregate classification (germline): Benign/Likely benign. Review status: criteria provided, multiple submitters, no conflicts (2 of 4 stars). 8 submissions from 4 submitters: Benign (6); Likely benign (2). Last evaluated 2026-01-26.

Conditions:
Acromesomelic dysplasia 2C, Hunter-Thompson type. Also called: Acromesomelic dysplasia, Hunter-Thompson type. Identifiers: Orphanet 968, MedGen C2930970, MONDO:0008717, OMIM 201250.
Grebe syndrome. Also called: ACROMESOMELIC DYSPLASIA, GREBE TYPE; ACROMESOMELIC DYSPLASIA 2A; GREBE DYSPLASIA. Identifiers: Orphanet 2098, MedGen C0265260, MONDO:0008703, OMIM 200700.
Acromesomelic dysplasia 2B. Also called: DU PAN SYNDROME. Identifiers: Orphanet 2639, MedGen C1856738, MONDO:0009231, OMIM 228900.
Multiple synostoses syndrome 2 (SYNS2). Identifiers: Orphanet 3237, MedGen C1832708, MONDO:0012394, OMIM 610017.
Brachydactyly. Also called: Brachydactyly syndrome; Brachydactyly (disease). Identifiers: MedGen C0221357, MONDO:0021004, HP:0001156.
GDF5-related disorder. Also called: GDF5 (CDMP1)-related disorder; GDF5-related condition. Identifiers: MedGen CN169990.

Allele frequency attached by ClinVar (database versions not stated): ESP Exome Variant Server 0.00008; gnomAD 0.00057; gnomAD exomes 0.00096; ExAC 0.00098; TOPMed 0.00104; 1000 Genomes Project 0.00379; 1000 Genomes Project 30x 0.00390.
gnomAD v4.1: 828 of 1,614,214 alleles (0.051%); highest among the groups gnomAD compares: East Asian, 1.6%; 2 homozygotes.

Submissions (8):

Labcorp Genetics (formerly Invitae), Labcorp
Classification: Benign. Last evaluated: 2026-01-26. Review status: criteria provided, single submitter. Criteria: Invitae Variant Classification Sherloc (09022015). Collection method: clinical testing. Allele origin: germline.

Blueprint Genetics
Classification: Likely benign. Last evaluated: 2024-11-18. Review status: criteria provided, single submitter. Criteria: ACMG Guidelines, 2015. Collection method: clinical testing. Allele origin: germline.

PreventionGenetics, part of Exact Sciences
Classification: Likely benign for GDF5-related condition. Last evaluated: 2024-10-28. Review status: criteria provided, single submitter. Criteria: ACMG Guidelines, 2015. Collection method: clinical testing. Allele origin: germline.
Comment: This variant is classified as likely benign based on ACMG/AMP sequence variant interpretation guidelines (Richards et al. 2015 PMID: 25741868, with internal and published modifications).

Illumina Laboratory Services, Illumina
Classification: Benign for Fibular hypoplasia and complex brachydactyly. Last evaluated: 2018-01-13. Review status: criteria provided, single submitter. Criteria: ICSL Variant Classification Criteria 13 December 2019. Collection method: clinical testing. Allele origin: germline.
Comment: This variant was observed in the ICSL laboratory as part of a predisposition screen in an ostensibly healthy population. It had not been previously curated by ICSL or reported in the Human Gene Mutation Database (HGMD: prior to June 1st, 2018), and was therefore a candidate for classification through an automated scoring system. Utilizing variant allele frequency, disease prevalence and penetrance estimates, and inheritance mode, an automated score was calculated to assess if this variant is too frequent to cause the disease. Based on the score and internal cut-off values, a variant classified as benign is not then subjected to further curation. The score for this variant resulted in a classification of benign for this disease.

Illumina Laboratory Services, Illumina
Classification: Benign for Brachydactyly. Last evaluated: 2018-01-13. Review status: criteria provided, single submitter. Criteria: ICSL Variant Classification Criteria 13 December 2019. Collection method: clinical testing. Allele origin: germline.
Comment: the same text as in the submission from Illumina Laboratory Services, Illumina above.

Illumina Laboratory Services, Illumina
Classification: Benign for Grebe syndrome. Last evaluated: 2018-01-13. Review status: criteria provided, single submitter. Criteria: ICSL Variant Classification Criteria 13 December 2019. Collection method: clinical testing. Allele origin: germline.
Comment: the same text as in the submission from Illumina Laboratory Services, Illumina above.

Illumina Laboratory Services, Illumina
Classification: Benign for Multiple synostoses syndrome 2. Last evaluated: 2018-01-13. Review status: criteria provided, single submitter. Criteria: ICSL Variant Classification Criteria 13 December 2019. Collection method: clinical testing. Allele origin: germline.
Comment: the same text as in the submission from Illumina Laboratory Services, Illumina above.

Illumina Laboratory Services, Illumina
Classification: Benign for Acromesomelic dysplasia 2C, Hunter-Thompson type. Last evaluated: 2018-01-13. Review status: criteria provided, single submitter. Criteria: ICSL Variant Classification Criteria 13 December 2019. Collection method: clinical testing. Allele origin: germline.
Comment: the same text as in the submission from Illumina Laboratory Services, Illumina above.